The following is an entry in ClinVar:

NM_006420.3(ARFGEF2):c.2261T>C (p.Ile754Thr)

Gene: ARFGEF2 (ARF guanine nucleotide exchange factor 2; plus strand). Cytogenetic location: 20q13.13.
Variant type: single nucleotide variant.
Coding change: c.2261T>C on transcript NM_006420.3 (MANE Select); coding-DNA position 2261, T replaced by C.
Protein change: p.Ile754Thr; replaces isoleucine 754 with threonine.
Molecular consequence: missense variant.
Genome position (GRCh38, 1-based): chr20:48,985,598, T>C. VCF-style: chr20-48985598-T-C. GRCh37 (hg19) VCF-style: chr20-47602135-T-C.
Other names: c.2258T>C, p.Ile753Thr (NM_001410846.1); short protein forms I753T, I754T.
Identifiers: ClinVar variation 1970702 (VCV001970702.5), dbSNP rs542066920, ClinGen allele CA9898577.
Genomic context (GRCh38, chr20:48,985,598, plus strand): 5'-GCCTACCTGGAGAAGCCCAAAAGATTGACCGATTAATGGAGAAGTTTGCCGCAAGATACA[T>C]AGAATGCAACCAAGGGTGAGCGCCGATTTTGAGTCCCTTCCAGATCATCTGTTTGCCTGC-3'
Protein context (NP_006411.2, residues 744-764): RLMEKFAARY[Ile754Thr]ECNQGQTLFA

ClinVar aggregate classification (germline): Uncertain significance (1 of 4 stars; one submission).

Allele frequency attached by ClinVar (database versions not stated): ExAC 0.00001; gnomAD 0.00001; gnomAD exomes 0.00001; 1000 Genomes Project 30x 0.00016; 1000 Genomes Project 0.00020.
gnomAD v4.1: 5 of 1,614,176 alleles (0.00031%); highest among the groups gnomAD compares: South Asian, 0.0044%; no homozygotes.

Submission:

Labcorp Genetics (formerly Invitae), Labcorp
Classification: Uncertain significance. Last evaluated: 2022-08-09. Review status: criteria provided, single submitter. Criteria: Invitae Variant Classification Sherloc (09022015). Collection method: clinical testing. Allele origin: germline.
Comment: Algorithms developed to predict the effect of missense changes on protein structure and function are either unavailable or do not agree on the potential impact of this missense change (SIFT: "Deleterious"; PolyPhen-2: "Benign"; Align-GVGD: "Class C0"). In summary, the available evidence is currently insufficient to determine the role of this variant in disease. Therefore, it has been classified as a Variant of Uncertain Significance. This variant has not been reported in the literature in individuals affected with ARFGEF2-related conditions. This variant is present in population databases (rs542066920, gnomAD 0.006%). This sequence change replaces isoleucine, which is neutral and non-polar, with threonine, which is neutral and polar, at codon 754 of the ARFGEF2 protein (p.Ile754Thr).